The following is an entry in ClinVar:

ClinVar aggregate classification (germline): Uncertain significance (1 of 4 stars; one submission).

Submission:

Dasa
Classification: Uncertain significance. Last evaluated: 2025-12-23. Review status: criteria provided, single submitter. Criteria: DASA Assertion Criteria. Collection method: clinical testing. Allele origin: germline.
Comment: NM_004364.5(CEBPA):c.571C>A (p.His191Asn) is a missense variant that results in the substitution of histidine with asparagine. This variant is rare in population databases. Computational prediction algorithms are consistent with a benign effect. The currently available literature and clinical evidence are not sufficient to establish a definitive association between this variant and the reported condition. Therefore, this variant is classified as a variant of uncertain significance.

NM_004364.5(CEBPA):c.571C>A (p.His191Asn)

Gene: CEBPA (CCAAT enhancer binding protein alpha; minus strand). Cytogenetic location: 19q13.11.
Variant type: single nucleotide variant.
Coding change: c.571C>A on transcript NM_004364.5 (MANE Select); coding-DNA position 571, C replaced by A.
Protein change: p.His191Asn; replaces histidine 191 with asparagine.
Molecular consequence: missense variant.
Genome position (GRCh38, 1-based): chr19:33,301,844, G>T on the plus strand (C>A on the coding strand, the complement: CEBPA is on the minus strand). VCF-style: chr19-33301844-G-T. GRCh37 (hg19) VCF-style: chr19-33792750-G-T.
Other names: c.214C>A, p.His72Asn (NM_001285829.2); c.676C>A, p.His226Asn (NM_001287424.2); c.529C>A, p.His177Asn (NM_001287435.2); short protein forms H177N, H191N, H226N, H72N.
Identifiers: ClinVar variation 4883648 (VCV004883648.2).